The following is an entry in ClinVar:

ClinVar aggregate classification (germline): Uncertain significance (1 of 4 stars; one submission).

Allele frequency attached by ClinVar (database versions not stated): gnomAD exomes below 0.00001.

Submission:

Labcorp Genetics (formerly Invitae), Labcorp
Classification: Uncertain significance. Last evaluated: 2022-07-05. Review status: criteria provided, single submitter. Criteria: Invitae Variant Classification Sherloc (09022015). Collection method: clinical testing. Allele origin: germline.
Comment: In summary, the available evidence is currently insufficient to determine the role of this variant in disease. Therefore, it has been classified as a Variant of Uncertain Significance. Algorithms developed to predict the effect of sequence changes on RNA splicing suggest that this variant may create or strengthen a splice site. Algorithms developed to predict the effect of missense changes on protein structure and function are either unavailable or do not agree on the potential impact of this missense change (SIFT: "Deleterious"; PolyPhen-2: "Benign"; Align-GVGD: "Class C0"). ClinVar contains an entry for this variant (Variation ID: 1020593). This variant has not been reported in the literature in individuals affected with VCAN-related conditions. This variant is present in population databases (no rsID available, gnomAD 0.0009%). This sequence change replaces alanine, which is neutral and non-polar, with valine, which is neutral and non-polar, at codon 1563 of the VCAN protein (p.Ala1563Val).

NM_004385.5(VCAN):c.4688C>T (p.Ala1563Val)

Genes: VCAN (versican; plus strand), VCAN-AS1 (VCAN antisense RNA 1; minus strand). Cytogenetic location: 5q14.3.
Variant type: single nucleotide variant.
Coding change: c.4688C>T on transcript NM_004385.5 (MANE Select); coding-DNA position 4688, C replaced by T.
Protein change: p.Ala1563Val; replaces alanine 1563 with valine.
Molecular consequence: missense variant. On other transcripts: intron variant (2).
Genome position (GRCh38, 1-based): chr5:83,537,691, C>T. VCF-style: chr5-83537691-C-T. GRCh37 (hg19) VCF-style: chr5-82833510-C-T.
Other names: c.1727C>T, p.Ala576Val (NM_001164097.2); c.4004-7846C>T (NM_001164098.2); c.1043-7846C>T (NM_001126336.3); short protein forms A1563V, A576V.
Identifiers: ClinVar variation 1020593 (VCV001020593.8), dbSNP rs1476531084, ClinGen allele CA360308797.